The following is an entry in ClinVar:

ClinVar aggregate classification (germline): Uncertain significance. Review status: criteria provided, multiple submitters, no conflicts (2 of 4 stars). 2 submissions from 2 submitters: Uncertain significance (2). Last evaluated 2026-01-11.

Conditions:
Inborn genetic diseases. Identifiers: MedGen C0950123, MeSH D030342.
Ullrich congenital muscular dystrophy 2 (UCMD2). Identifiers: Orphanet 75840, MedGen C4225314, MONDO:0014654, OMIM 616470.
Bethlem myopathy 2 (BTHLM2). Identifiers: Orphanet 536516, Orphanet 610, MedGen C4225313, MONDO:0034022, OMIM 616471.

Allele frequency attached by ClinVar (database versions not stated): gnomAD exomes below 0.00001 and 0.00001; gnomAD 0.00001.
gnomAD v4.1: 16 of 1,614,082 alleles (0.00099%); highest among the groups gnomAD compares: East Asian, 0.0022%; no homozygotes.

Submissions (2):

Labcorp Genetics (formerly Invitae), Labcorp
Classification: Uncertain significance for Bethlem myopathy 2; Ullrich congenital muscular dystrophy 2. Last evaluated: 2026-01-11. Review status: criteria provided, single submitter. Criteria: Invitae Variant Classification Sherloc (09022015). Collection method: clinical testing. Allele origin: germline.
Comment: This sequence change replaces alanine, which is neutral and non-polar, with threonine, which is neutral and polar, at codon 522 of the COL12A1 protein (p.Ala522Thr). The frequency data for this variant in the population databases is considered unreliable, as metrics indicate poor data quality at this position in the gnomAD database. This variant has not been reported in the literature in individuals affected with COL12A1-related conditions. ClinVar contains an entry for this variant (Variation ID: 1005654). Invitae Evidence Modeling of protein sequence and biophysical properties (such as structural, functional, and spatial information, amino acid conservation, physicochemical variation, residue mobility, and thermodynamic stability) indicates that this missense variant is not expected to disrupt COL12A1 protein function with a negative predictive value of 80%. In summary, the available evidence is currently insufficient to determine the role of this variant in disease. Therefore, it has been classified as a Variant of Uncertain Significance.

Ambry Genetics
Classification: Uncertain significance for Inborn genetic diseases. Last evaluated: 2023-08-08. Review status: criteria provided, single submitter. Criteria: Ambry Variant Classification Scheme 2023. Collection method: clinical testing. Allele origin: germline.

NM_004370.6(COL12A1):c.1564G>A (p.Ala522Thr)

Gene: COL12A1 (collagen type XII alpha 1 chain; minus strand). Cytogenetic location: 6q13.
Variant type: single nucleotide variant.
Coding change: c.1564G>A on transcript NM_004370.6 (MANE Select); coding-DNA position 1564, G replaced by A.
Protein change: p.Ala522Thr; replaces alanine 522 with threonine.
Molecular consequence: missense variant. On other transcripts: intron variant (1).
Genome position (GRCh38, 1-based): chr6:75,183,377, C>T on the plus strand (G>A on the coding strand, the complement: COL12A1 is on the minus strand). VCF-style: chr6-75183377-C-T. GRCh37 (hg19) VCF-style: chr6-75893093-C-T.
Other names: c.1564G>A (NM_004370.5); c.73+19343G>A (NM_080645.3); short protein forms A522T.
Identifiers: ClinVar variation 1005654 (VCV001005654.11), dbSNP rs1292052246, ClinGen allele CA364769642.
Genomic context (GRCh38, chr6:75,183,377, plus strand): 5'-GCACATTGCTTCTTGATCCCTTGCTAGGCACAAATATTTTCTCTCTGACATAAGTCATTG[C>T]TTTGCCAGTATTTGTAGATCCTCCTCTGTAAGGGAAGGTGTTTATTGCTTCAATTATATC-3'
Protein context (NP_004361.3, residues 512-532): YRGGSTNTGK[Ala522Thr]MTYVREKIFV